The following is an entry in ClinVar:

NM_002857.4(PEX19):c.*2637G>A

Gene: PEX19 (peroxisomal biogenesis factor 19; minus strand). Cytogenetic location: 1q23.2.
Variant type: single nucleotide variant.
Coding change: c.*2637G>A on transcript NM_002857.4 (MANE Select); 2637 bases downstream of the stop codon, G replaced by A.
Molecular consequence: 3 prime UTR variant. On other transcripts: non-coding transcript variant (2).
Genome position (GRCh38, 1-based): chr1:160,276,914, C>T on the plus strand (G>A on the coding strand, the complement: PEX19 is on the minus strand). VCF-style: chr1-160276914-C-T. GRCh37 (hg19) VCF-style: chr1-160246704-C-T.
Other names: c.*2645G>A (NM_001193644.1).
Identifiers: ClinVar variation 293191 (VCV000293191.6), dbSNP rs41265787, ClinGen allele CA1197059.

ClinVar aggregate classification (germline): Benign. Review status: criteria provided, multiple submitters, no conflicts (2 of 4 stars). 2 submissions from 2 submitters: Benign (2). Last evaluated 2018-01-12.

Conditions:
Peroxisome biogenesis disorder 12A (Zellweger). Also called: Peroxisome biogenesis disorder 12A. Identifiers: Orphanet 912, MedGen C3554002, MONDO:0013951, OMIM 614886.

Allele frequency attached by ClinVar (database versions not stated): 1000 Genomes Project 30x 0.04232; gnomAD 0.02253 and 0.02398; gnomAD exomes 0.02776 and 0.03083; ExAC 0.04502; 1000 Genomes Project 0.04333; TOPMed 0.02290.
gnomAD v4.1: 11,933 of 449,832 alleles (2.7%); highest among the groups gnomAD compares: East Asian, 8.8%; 263 homozygotes.

Submissions (2):

Illumina Laboratory Services, Illumina
Classification: Benign for Peroxisome biogenesis disorder 12A (Zellweger). Last evaluated: 2018-01-12. Review status: criteria provided, single submitter. Criteria: ICSL Variant Classification Criteria 13 December 2019. Collection method: clinical testing. Allele origin: germline.
Comment: This variant was observed in the ICSL laboratory as part of a predisposition screen in an ostensibly healthy population. It had not been previously curated by ICSL or reported in the Human Gene Mutation Database (HGMD: prior to June 1st, 2018), and was therefore a candidate for classification through an automated scoring system. Utilizing variant allele frequency, disease prevalence and penetrance estimates, and inheritance mode, an automated score was calculated to assess if this variant is too frequent to cause the disease. Based on the score and internal cut-off values, a variant classified as benign is not then subjected to further curation. The score for this variant resulted in a classification of benign for this disease.

Breakthrough Genomics
Classification: Benign. Review status: criteria provided, single submitter. Criteria: ACMG Guidelines, 2015. Collection method: not provided. Allele origin: germline. Inheritance: Autosomal recessive inheritance. Affected: yes.